The following is an entry in ClinVar:

ClinVar aggregate classification (germline): Uncertain significance (1 of 4 stars; one submission).

Conditions:
Early-infantile DEE. Also called: Early infantile epileptic encephalopathy; Early infantile epileptic encephalopathy with suppression bursts; Ohtahara syndrome. Identifiers: Orphanet 1934, MedGen C0393706, MONDO:0800491.

Allele frequency attached by ClinVar (database versions not stated): gnomAD 0.00003; gnomAD exomes 0.00003.
gnomAD v4.1: 49 of 1,614,008 alleles (0.003%); highest among the groups gnomAD compares: Non-Finnish European, 0.004%; no homozygotes.

Submission:

Labcorp Genetics (formerly Invitae), Labcorp
Classification: Uncertain significance for Early-infantile DEE. Last evaluated: 2023-11-06. Review status: criteria provided, single submitter. Criteria: Invitae Variant Classification Sherloc (09022015). Collection method: clinical testing. Allele origin: germline.
Comment: This sequence change replaces asparagine, which is neutral and polar, with lysine, which is basic and polar, at codon 816 of the KCNH5 protein (p.Asn816Lys). This variant is present in population databases (no rsID available, gnomAD 0.002%). This variant has not been reported in the literature in individuals affected with KCNH5-related conditions. ClinVar contains an entry for this variant (Variation ID: 2085091). Advanced modeling of protein sequence and biophysical properties (such as structural, functional, and spatial information, amino acid conservation, physicochemical variation, residue mobility, and thermodynamic stability) performed at Invitae indicates that this missense variant is not expected to disrupt KCNH5 protein function with a negative predictive value of 95%. In summary, the available evidence is currently insufficient to determine the role of this variant in disease. Therefore, it has been classified as a Variant of Uncertain Significance.

NM_139318.5(KCNH5):c.2448T>A (p.Asn816Lys)

Gene: KCNH5 (potassium voltage-gated channel subfamily H member 5; minus strand). Cytogenetic location: 14q23.2.
Variant type: single nucleotide variant.
Coding change: c.2448T>A on transcript NM_139318.5 (MANE Select); coding-DNA position 2448, T replaced by A.
Protein change: p.Asn816Lys; replaces asparagine 816 with lysine.
Molecular consequence: missense variant. On other transcripts: 3 prime UTR variant (1).
Genome position (GRCh38, 1-based): chr14:62,708,027, A>T on the plus strand (T>A on the coding strand, the complement: KCNH5 is on the minus strand). VCF-style: chr14-62708027-A-T. GRCh37 (hg19) VCF-style: chr14-63174745-A-T.
Other names: c.*415T>A (NM_172375.3); short protein forms N816K.
Identifiers: ClinVar variation 2085091 (VCV002085091.4), dbSNP rs1055038589, ClinGen allele CA262376547.